The following is an entry in ClinVar:

ClinVar aggregate classification (germline): Uncertain significance. Review status: criteria provided, multiple submitters, no conflicts (2 of 4 stars). 2 submissions from 2 submitters: Uncertain significance (2). Last evaluated 2025-08-04.

Conditions:
Hereditary cancer-predisposing syndrome. Also called: Hereditary neoplastic syndrome; Tumor predisposition; Hereditary Cancer Syndrome; Neoplastic Syndromes, Hereditary. Identifiers: Orphanet 140162, MedGen C0027672, MeSH D009386, MONDO:0015356.
Fanconi anemia (FA). Also called: Fanconi's anemia. Identifiers: Orphanet 84, MedGen C0015625, MeSH D005199, MONDO:0019391.

Allele frequency attached by ClinVar (database versions not stated): gnomAD exomes below 0.00001.
gnomAD v4.1: 1 of 1,613,788 alleles (0.000062%); highest among the groups gnomAD compares: Non-Finnish European, 0.000085%; no homozygotes.

Submissions (2):

Ambry Genetics
Classification: Uncertain significance for Hereditary cancer-predisposing syndrome. Last evaluated: 2025-08-04. Review status: criteria provided, single submitter. Criteria: Ambry Variant Classification Scheme 2023. Collection method: clinical testing. Allele origin: germline.
Comment: The p.D434N variant (also known as c.1300G>A), located in coding exon 12 of the FANCC gene, results from a G to A substitution at nucleotide position 1300. The aspartic acid at codon 434 is replaced by asparagine, an amino acid with highly similar properties. This amino acid position is not well conserved in available vertebrate species. In addition, this alteration is predicted to be tolerated by in silico analysis. Since supporting evidence is limited at this time, the clinical significance of this alteration remains unclear.

Labcorp Genetics (formerly Invitae), Labcorp
Classification: Uncertain significance for Fanconi anemia. Last evaluated: 2022-09-01. Review status: criteria provided, single submitter. Criteria: Invitae Variant Classification Sherloc (09022015). Collection method: clinical testing. Allele origin: germline.
Comment: In summary, the available evidence is currently insufficient to determine the role of this variant in disease. Therefore, it has been classified as a Variant of Uncertain Significance. Algorithms developed to predict the effect of missense changes on protein structure and function are either unavailable or do not agree on the potential impact of this missense change (SIFT: "Tolerated"; PolyPhen-2: "Probably Damaging"; Align-GVGD: "Class C0"). ClinVar contains an entry for this variant (Variation ID: 220432). This variant has not been reported in the literature in individuals affected with FANCC-related conditions. This variant is not present in population databases (gnomAD no frequency). This sequence change replaces aspartic acid, which is acidic and polar, with asparagine, which is neutral and polar, at codon 434 of the FANCC protein (p.Asp434Asn).

NM_000136.3(FANCC):c.1300G>A (p.Asp434Asn)

Genes: FANCC (FA complementation group C; minus strand), AOPEP (aminopeptidase O (putative); plus strand). Cytogenetic location: 9q22.32.
Variant type: single nucleotide variant.
Coding change: c.1300G>A on transcript NM_000136.3 (MANE Select); coding-DNA position 1300, G replaced by A.
Protein change: p.Asp434Asn; replaces aspartic acid 434 with asparagine.
Molecular consequence: missense variant.
Genome position (GRCh38, 1-based): chr9:95,111,492, C>T on the plus strand (G>A on the coding strand, the complement: FANCC is on the minus strand). VCF-style: chr9-95111492-C-T. GRCh37 (hg19) VCF-style: chr9-97873774-C-T.
Other names: c.1300G>A, p.Asp434Asn (NM_001243743.2, NM_001243744.2); short protein forms D434N.
Identifiers: ClinVar variation 220432 (VCV000220432.11), dbSNP rs864622522, ClinGen allele CA348778.